The following is an entry in ClinVar:

ClinVar aggregate classification (germline): Uncertain significance. Review status: criteria provided, multiple submitters, no conflicts (2 of 4 stars). 2 submissions from 2 submitters: Uncertain significance (2). Last evaluated 2026-08-04.

Conditions:
Inborn genetic diseases. Identifiers: MedGen C0950123, MeSH D030342.

Submissions (2):

Ambry Genetics
Classification: Uncertain significance for Inborn genetic diseases. Last evaluated: 2026-08-04. Review status: criteria provided, single submitter. Criteria: Ambry Variant Classification Scheme 2023. Collection method: clinical testing. Allele origin: germline.
Comment: The p.A258T variant (also known as c.772G>A), located in coding exon 1 of the SAMD9L gene, results from a G to A substitution at nucleotide position 772. The alanine at codon 258 is replaced by threonine, an amino acid with similar properties. This amino acid position is conserved. In addition, this alteration is predicted to be tolerated by in silico analysis. Based on the available evidence, the clinical significance of this variant remains unclear.

Labcorp Genetics (formerly Invitae), Labcorp
Classification: Uncertain significance. Last evaluated: 2021-06-05. Review status: criteria provided, single submitter. Criteria: Invitae Variant Classification Sherloc (09022015). Collection method: clinical testing. Allele origin: germline.
Comment: This sequence change replaces alanine with threonine at codon 258 of the SAMD9L protein (p.Ala258Thr). The alanine residue is weakly conserved and there is a small physicochemical difference between alanine and threonine. This variant is not present in population databases (ExAC no frequency). This variant has not been reported in the literature in individuals with SAMD9L-related conditions. Algorithms developed to predict the effect of missense changes on protein structure and function are either unavailable or do not agree on the potential impact of this missense change (SIFT: "Not Available"; PolyPhen-2: "Benign"; Align-GVGD: "Not Available"). In summary, the available evidence is currently insufficient to determine the role of this variant in disease. Therefore, it has been classified as a Variant of Uncertain Significance.

NM_152703.5(SAMD9L):c.772G>A (p.Ala258Thr)

Gene: SAMD9L (sterile alpha motif domain containing 9 like; minus strand). Cytogenetic location: 7q21.2.
Variant type: single nucleotide variant.
Coding change: c.772G>A on transcript NM_152703.5 (MANE Select); coding-DNA position 772, G replaced by A.
Protein change: p.Ala258Thr; replaces alanine 258 with threonine.
Molecular consequence: missense variant.
Genome position (GRCh38, 1-based): chr7:93,135,200, C>T on the plus strand (G>A on the coding strand, the complement: SAMD9L is on the minus strand). VCF-style: chr7-93135200-C-T. GRCh37 (hg19) VCF-style: chr7-92764513-C-T.
Other names: c.772G>A, p.Ala258Thr (NM_001303496.3, NM_001303497.3, NM_001303498.3 and 5 more transcripts); c.772G>A (NM_152703.2); short protein forms A258T.
Identifiers: ClinVar variation 1481400 (VCV001481400.9), dbSNP rs2116502159, ClinGen allele CA368200965.